The following is an entry in ClinVar:

ClinVar aggregate classification (germline): Uncertain significance (1 of 4 stars; one submission).

Submission:

Labcorp Genetics (formerly Invitae), Labcorp
Classification: Uncertain significance. Last evaluated: 2023-01-04. Review status: criteria provided, single submitter. Criteria: Invitae Variant Classification Sherloc (09022015). Collection method: clinical testing. Allele origin: germline.
Comment: This missense change has been observed in individuals with DCX-related conditions (PMID: 18685874; Invitae). In summary, the available evidence is currently insufficient to determine the role of this variant in disease. Therefore, it has been classified as a Variant of Uncertain Significance. Experimental studies have shown that this missense change affects DCX function (PMID: 22857951). Advanced modeling of protein sequence and biophysical properties (such as structural, functional, and spatial information, amino acid conservation, physicochemical variation, residue mobility, and thermodynamic stability) performed at Invitae indicates that this missense variant is expected to disrupt DCX protein function. This variant is not present in population databases (gnomAD no frequency). This sequence change replaces tryptophan, which is neutral and slightly polar, with cysteine, which is neutral and slightly polar, at codon 146 of the DCX protein (p.Trp146Cys).

Literature cited by the submitters: PubMed 18685874; PubMed 22857951.

NM_001195553.2(DCX):c.438G>T (p.Trp146Cys)

Gene: DCX (doublecortin; minus strand). Cytogenetic location: Xq23.
Variant type: single nucleotide variant.
Coding change: c.438G>T on transcript NM_001195553.2 (MANE Select); coding-DNA position 438, G replaced by T.
Protein change: p.Trp146Cys; replaces tryptophan 146 with cysteine.
Molecular consequence: missense variant.
Genome position (GRCh38, 1-based): chrX:111,401,257, C>A on the plus strand (G>T on the coding strand, the complement: DCX is on the minus strand). VCF-style: chrX-111401257-C-A. GRCh37 (hg19) VCF-style: chrX-110644485-C-A.
Other names: c.438G>T, p.Trp146Cys (NM_178153.3, NM_001369370.1, NM_001369371.1 and 6 more transcripts); c.681G>T, p.Trp227Cys (NM_000555.3); short protein forms W146C, W227C.
Identifiers: ClinVar variation 2737357 (VCV002737357.3), dbSNP rs2524836059, ClinGen allele CA414246367.